The following is an entry in ClinVar:

ClinVar aggregate classification (germline): Likely benign. Review status: criteria provided, multiple submitters, no conflicts (2 of 4 stars). 2 submissions from 2 submitters: Likely benign (2). Last evaluated 2023-04-08.

Submissions (2):

Labcorp Genetics (formerly Invitae), Labcorp
Classification: Likely benign. Last evaluated: 2023-04-08. Review status: criteria provided, single submitter. Criteria: Invitae Variant Classification Sherloc (09022015). Collection method: clinical testing. Allele origin: germline.

GeneDx
Classification: Likely benign. Last evaluated: 2018-03-14. Review status: criteria provided, single submitter. Criteria: GeneDx Variant Classification (06012015). Collection method: clinical testing. Allele origin: germline. Affected: yes.
Comment: This variant is considered likely benign or benign based on one or more of the following criteria: it is a conservative change, it occurs at a poorly conserved position in the protein, it is predicted to be benign by multiple in silico algorithms, and/or has population frequency not consistent with disease.

NM_006231.4(POLE):c.5010C>T (p.Asp1670=)

Gene: POLE (DNA polymerase epsilon, catalytic subunit; minus strand). Cytogenetic location: 12q24.33.
Variant type: single nucleotide variant.
Coding change: c.5010C>T on transcript NM_006231.4 (MANE Select); coding-DNA position 5010, C replaced by T.
Protein change: p.Asp1670=; no amino-acid change (aspartic acid 1670 retained).
Molecular consequence: synonymous variant.
Genome position (GRCh38, 1-based): chr12:132,642,340, G>A on the plus strand (C>T on the coding strand, the complement: POLE is on the minus strand). VCF-style: chr12-132642340-G-A. GRCh37 (hg19) VCF-style: chr12-133218926-G-A.
Identifiers: ClinVar variation 680901 (VCV000680901.4), dbSNP rs1593729869, ClinGen allele CA482848769.